The following is an entry in ClinVar:

NM_001367624.2(ZNF469):c.10403G>T (p.Gly3468Val)

Gene: ZNF469 (zinc finger protein 469; plus strand). Cytogenetic location: 16q24.2.
Variant type: single nucleotide variant.
Coding change: c.10403G>T on transcript NM_001367624.2 (MANE Select); coding-DNA position 10403, G replaced by T.
Protein change: p.Gly3468Val; replaces glycine 3468 with valine.
Molecular consequence: missense variant.
Genome position (GRCh38, 1-based): chr16:88,437,873, G>T. VCF-style: chr16-88437873-G-T. GRCh37 (hg19) VCF-style: chr16-88504281-G-T.
Other names: NM_001127464.1:c.10319G>T; short protein forms G3468V.
Identifiers: ClinVar variation 3987294 (VCV003987294.1).

ClinVar aggregate classification (germline): Uncertain significance (1 of 4 stars; one submission).

Conditions:
Cardiovascular phenotype. Identifiers: MedGen CN230736.

Submission:

Ambry Genetics
Classification: Uncertain significance for Cardiovascular phenotype. Last evaluated: 2025-03-23. Review status: criteria provided, single submitter. Criteria: Ambry Variant Classification Scheme 2023. Collection method: clinical testing. Allele origin: germline.
Comment: The p.G3440V variant (also known as c.10319G>T), located in coding exon 2 of the ZNF469 gene, results from a G to T substitution at nucleotide position 10319. The glycine at codon 3440 is replaced by valine, an amino acid with dissimilar properties. This amino acid position is conserved. In addition, this alteration is predicted to be tolerated by in silico analysis. Based on the available evidence, the clinical significance of this variant remains unclear.